The following is an entry in ClinVar:

NM_022489.4(INF2):c.671T>C (p.Leu224Pro)

Gene: INF2 (inverted formin 2; plus strand). Cytogenetic location: 14q32.33.
Variant type: single nucleotide variant.
Coding change: c.671T>C on transcript NM_022489.4 (MANE Select); coding-DNA position 671, T replaced by C.
Protein change: p.Leu224Pro; replaces leucine 224 with proline.
Molecular consequence: missense variant.
Genome position (GRCh38, 1-based): chr14:104,703,919, T>C. VCF-style: chr14-104703919-T-C. GRCh37 (hg19) VCF-style: chr14-105170256-T-C.
Other names: c.671T>C, p.Leu224Pro (NM_001031714.4, NM_032714.3); short protein forms L224P.
Identifiers: ClinVar variation 2330346 (VCV002330346.4), dbSNP rs2504246909, ClinGen allele CA391213507.

ClinVar aggregate classification (germline): Uncertain significance. Review status: criteria provided, multiple submitters, no conflicts (2 of 4 stars). 3 submissions from 3 submitters: Uncertain significance (2). 1 of the submissions does not count toward it. Last evaluated 2024-11-25.

Conditions:
INF2-related disorder. Also called: INF2-related condition.
Inborn genetic diseases. Identifiers: MedGen C0950123, MeSH D030342.
Focal segmental glomerulosclerosis 5 (FSGS5). Identifiers: Orphanet 656, MedGen C2750475, MONDO:0013191, OMIM 613237.

Submissions (3):

3billion
Classification: Uncertain significance for Focal segmental glomerulosclerosis 5. Last evaluated: 2024-11-25. Review status: criteria provided, single submitter. Criteria: ACMG Guidelines, 2015. Collection method: clinical testing. Allele origin: germline. Affected: yes.
Comment: The variant is not observed in the gnomAD v4.1.0 dataset. Predicted Consequence/Location: Missense variant. Missense changes are a common disease-causing mechanism. In silico tool predictions suggest damaging effect of the variant on gene or gene product [REVEL: 0.82 (>=0.6, sensitivity 0.68 and specificity 0.92)]. The variant has been reported as of uncertain significance (ClinVar ID: VCV002330346). Therefore, this variant is classified as VUS according to the recommendation of ACMG/AMP guideline.

Ambry Genetics
Classification: Uncertain significance for Inborn genetic diseases. Last evaluated: 2022-12-14. Review status: criteria provided, single submitter. Criteria: Ambry Variant Classification Scheme 2023. Collection method: clinical testing. Allele origin: germline.

PreventionGenetics, part of Exact Sciences
Classification: Uncertain significance for INF2-related condition. Last evaluated: 2024-09-19. Review status: no assertion criteria provided. Collection method: clinical testing. Allele origin: germline. Not counted in ClinVar's aggregate classification.
Comment: The INF2 c.671T>C variant is predicted to result in the amino acid substitution p.Leu224Pro. To our knowledge, this variant has not been reported in the literature or in a large population database, indicating this variant is rare. At this time, the clinical significance of this variant is uncertain due to the absence of conclusive functional and genetic evidence.